The following is an entry in ClinVar:

NM_000179.3(MSH6):c.2082C>G (p.Cys694Trp)

Gene: MSH6 (mutS homolog 6; plus strand). Cytogenetic location: 2p16.3.
Variant type: single nucleotide variant.
Coding change: c.2082C>G on transcript NM_000179.3 (MANE Select); coding-DNA position 2082, C replaced by G.
Protein change: p.Cys694Trp; replaces cysteine 694 with tryptophan.
Molecular consequence: missense variant.
Genome position (GRCh38, 1-based): chr2:47,800,065, C>G. VCF-style: chr2-47800065-C-G. GRCh37 (hg19) VCF-style: chr2-48027204-C-G.
Other names: c.1692C>G, p.Cys564Trp (NM_001281492.2); c.1176C>G, p.Cys392Trp (NM_001281493.2, NM_001281494.2); short protein forms C694W, C392W, C564W.
Identifiers: ClinVar variation 428430 (VCV000428430.6), dbSNP rs1114167791, ClinGen allele CA346750825.

ClinVar aggregate classification (germline): Uncertain significance. Review status: criteria provided, multiple submitters, no conflicts (2 of 4 stars). 2 submissions from 2 submitters: Uncertain significance (2). Last evaluated 2024-06-21.

Conditions:
Hereditary cancer-predisposing syndrome. Also called: Hereditary Cancer Syndrome; Neoplastic Syndromes, Hereditary; Hereditary neoplastic syndrome; Tumor predisposition. Identifiers: Orphanet 140162, MedGen C0027672, MeSH D009386, MONDO:0015356.

Submissions (2):

Women's Health and Genetics/Laboratory Corporation of America, LabCorp
Classification: Uncertain significance. Last evaluated: 2024-06-21. Review status: criteria provided, single submitter. Criteria: LabCorp Variant Classification Summary - May 2015. Collection method: clinical testing. Allele origin: germline.

Ambry Genetics
Classification: Uncertain significance for Hereditary cancer-predisposing syndrome. Last evaluated: 2016-07-04. Review status: criteria provided, single submitter. Criteria: Ambry Variant Classification Scheme 2023. Collection method: clinical testing. Allele origin: germline.
Comment: The p.C694W variant (also known as c.2082C>G), located in coding exon 4 of the MSH6 gene, results from a C to G substitution at nucleotide position 2082. The cysteine at codon 694 is replaced by tryptophan, an amino acid with highly dissimilar properties. This variant was not reported in population based cohorts in the following databases: Database of Single Nucleotide Polymorphisms (dbSNP), NHLBI Exome Sequencing Project (ESP), and 1000 Genomes Project. In the ESP, this variant was not observed in 6503 samples (13006 alleles) with coverage at this position. To date, this alteration has been detected with an allele frequency of approximately 0.001% (greater than 150000 alleles tested) in our clinical cohort. This amino acid position is highly conserved in available vertebrate species. In addition, this alteration is predicted to be deleterious by in silico analysis. Since supporting evidence is limited at this time, the clinical significance of this alteration remains unclear.